The following is an entry in ClinVar:

NM_004560.4(ROR2):c.1117G>A (p.Glu373Lys)

Gene: ROR2 (receptor tyrosine kinase like orphan receptor 2; minus strand). Cytogenetic location: 9q22.31.
Variant type: single nucleotide variant.
Coding change: c.1117G>A on transcript NM_004560.4 (MANE Select); coding-DNA position 1117, G replaced by A.
Protein change: p.Glu373Lys; replaces glutamic acid 373 with lysine.
Molecular consequence: missense variant.
Genome position (GRCh38, 1-based): chr9:91,730,976, C>T on the plus strand (G>A on the coding strand, the complement: ROR2 is on the minus strand). VCF-style: chr9-91730976-C-T. GRCh37 (hg19) VCF-style: chr9-94493258-C-T.
Other names: c.1117G>A, p.Glu373Lys (NM_001318204.2); short protein forms E373K.
Identifiers: ClinVar variation 2001827 (VCV002001827.4), dbSNP rs760074825, ClinGen allele CA5120794.

ClinVar aggregate classification (germline): Uncertain significance (1 of 4 stars; one submission).

Allele frequency attached by ClinVar (database versions not stated): ExAC 0.00001.
gnomAD v4.1: 2 of 1,614,238 alleles (0.00012%); highest among the groups gnomAD compares: Middle Eastern, 0.016%; no homozygotes.

Submission:

Labcorp Genetics (formerly Invitae), Labcorp
Classification: Uncertain significance. Last evaluated: 2022-06-01. Review status: criteria provided, single submitter. Criteria: Invitae Variant Classification Sherloc (09022015). Collection method: clinical testing. Allele origin: germline.
Comment: In summary, the available evidence is currently insufficient to determine the role of this variant in disease. Therefore, it has been classified as a Variant of Uncertain Significance. Advanced modeling of protein sequence and biophysical properties (such as structural, functional, and spatial information, amino acid conservation, physicochemical variation, residue mobility, and thermodynamic stability) performed at Invitae indicates that this missense variant is not expected to disrupt ROR2 protein function. This variant has not been reported in the literature in individuals affected with ROR2-related conditions. This variant is not present in population databases (gnomAD no frequency). This sequence change replaces glutamic acid, which is acidic and polar, with lysine, which is basic and polar, at codon 373 of the ROR2 protein (p.Glu373Lys).